The following is an entry in ClinVar:

ClinVar aggregate classification (germline): Uncertain significance. Review status: criteria provided, multiple submitters, no conflicts (2 of 4 stars). 4 submissions from 4 submitters: Uncertain significance (4). Last evaluated 2025-07-30.

Conditions:
Lynch syndrome 5 (LYNCH5). Also called: Colorectal cancer, hereditary nonpolyposis, type 5; Hereditary non-polyposis colorectal cancer, type 5. Identifiers: Orphanet 144, MedGen C1833477, MONDO:0013710, OMIM 614350. Disease mechanism: loss of function.
Hereditary nonpolyposis colorectal neoplasms. Identifiers: MedGen C0009405, MeSH D003123.
Hereditary cancer-predisposing syndrome. Also called: Neoplastic Syndromes, Hereditary; Tumor predisposition; Hereditary Cancer Syndrome; Hereditary neoplastic syndrome. Identifiers: Orphanet 140162, MedGen C0027672, MeSH D009386, MONDO:0015356.

Allele frequency attached by ClinVar (database versions not stated): gnomAD exomes below 0.00001; TOPMed below 0.00001; gnomAD 0.00001.
gnomAD v4.1: 3 of 1,603,950 alleles (0.00019%); highest among the groups gnomAD compares: East Asian, 0.0045%; no homozygotes.

Submissions (4):

Color Diagnostics, LLC DBA Color Health
Classification: Uncertain significance for Hereditary cancer-predisposing syndrome. Last evaluated: 2025-07-30. Review status: criteria provided, single submitter. Criteria: ACMG Guidelines, 2015. Collection method: clinical testing. Allele origin: germline.
Comment: This missense variant replaces glycine with arginine at codon 45 of the MSH6 protein. Computational prediction suggests that this variant may not impact protein structure and function. To our knowledge, functional studies have not been reported for this variant. This variant has been reported in individuals affected with Lynch syndrome (PMID: 31350202) and breast/ovarian cancer (PMID: 32068069). This variant has not been identified in the general population by the Genome Aggregation Database (gnomAD), however it has been reported in the Chinese general population (2/10588 alleles, PMID: 34172528), and in a healthy individual unaffected with cancer (PMID: 32980694). The available evidence is insufficient to determine the role of this variant in disease conclusively. Therefore, this variant is classified as a Variant of Uncertain Significance.

Labcorp Genetics (formerly Invitae), Labcorp
Classification: Uncertain significance for Hereditary nonpolyposis colorectal neoplasms. Last evaluated: 2025-07-27. Review status: criteria provided, single submitter. Criteria: Invitae Variant Classification Sherloc (09022015). Collection method: clinical testing. Allele origin: germline.
Comment: This sequence change replaces glycine, which is neutral and non-polar, with arginine, which is basic and polar, at codon 45 of the MSH6 protein (p.Gly45Arg). This variant is not present in population databases (gnomAD no frequency). This missense change has been observed in individual(s) with breast/ovarian cancer, Lynch syndrome and/or colon cancer (PMID: 31350202, 32068069, 38297350). ClinVar contains an entry for this variant (Variation ID: 525725). Invitae Evidence Modeling of protein sequence and biophysical properties (such as structural, functional, and spatial information, amino acid conservation, physicochemical variation, residue mobility, and thermodynamic stability) indicates that this missense variant is not expected to disrupt MSH6 protein function with a negative predictive value of 95%. In summary, the available evidence is currently insufficient to determine the role of this variant in disease. Therefore, it has been classified as a Variant of Uncertain Significance.

Ambry Genetics
Classification: Uncertain significance for Hereditary cancer-predisposing syndrome. Last evaluated: 2025-01-16. Review status: criteria provided, single submitter. Criteria: Ambry Variant Classification Scheme 2023. Collection method: clinical testing. Allele origin: germline.
Comment: The p.G45R variant (also known as c.133G>C), located in coding exon 1 of the MSH6 gene, results from a G to C substitution at nucleotide position 133. The glycine at codon 45 is replaced by arginine, an amino acid with dissimilar properties. This amino acid position is not well conserved in available vertebrate species. In addition, this alteration is predicted to be tolerated by in silico analysis. Based on the available evidence, the clinical significance of this variant remains unclear.

Department of Pathology and Laboratory Medicine, Sinai Health System
Classification: Uncertain significance for Lynch syndrome 5. Last evaluated: 2021-06-28. Review status: criteria provided, single submitter. Criteria: ACMG Guidelines, 2015. Collection method: clinical testing. Allele origin: germline. Affected: yes.

Literature cited by the submitters: PubMed 31350202 (cited by Color Diagnostics, LLC DBA Color Health and Labcorp Genetics (formerly Invitae), Labcorp); PubMed 32068069 (cited by Color Diagnostics, LLC DBA Color Health and Labcorp Genetics (formerly Invitae), Labcorp); PubMed 32980694 (cited by Color Diagnostics, LLC DBA Color Health); PubMed 38297350 (cited by Labcorp Genetics (formerly Invitae), Labcorp).

NM_000179.3(MSH6):c.133G>C (p.Gly45Arg)

Gene: MSH6 (mutS homolog 6; plus strand). Cytogenetic location: 2p16.3.
Variant type: single nucleotide variant.
Coding change: c.133G>C on transcript NM_000179.3 (MANE Select); coding-DNA position 133, G replaced by C.
Protein change: p.Gly45Arg; replaces glycine 45 with arginine.
Molecular consequence: missense variant. On other transcripts: 5 prime UTR variant (1).
Genome position (GRCh38, 1-based): chr2:47,783,366, G>C. VCF-style: chr2-47783366-G-C. GRCh37 (hg19) VCF-style: chr2-48010505-G-C.
Other names: c.133G>C, p.Gly45Arg (NM_001281492.2); c.-604G>C (NM_001281493.2); short protein forms G45R.
Identifiers: ClinVar variation 525725 (VCV000525725.20), dbSNP rs978968846, ClinGen allele CA346734897.